The following is an entry in ClinVar:

ClinVar aggregate classification (germline): Uncertain significance. Review status: criteria provided, multiple submitters, no conflicts (2 of 4 stars). 2 submissions from 2 submitters: Uncertain significance (2). Last evaluated 2024-04-23.

Conditions:
Inborn genetic diseases. Identifiers: MedGen C0950123, MeSH D030342.

gnomAD v4.1: 3 of 1,120,160 alleles (0.00027%); highest among the groups gnomAD compares: East Asian, 0.014%; no homozygotes.

Submissions (2):

Ambry Genetics
Classification: Uncertain significance for Inborn genetic diseases. Last evaluated: 2024-04-23. Review status: criteria provided, single submitter. Criteria: Ambry Variant Classification Scheme 2023. Collection method: clinical testing. Allele origin: germline.

Labcorp Genetics (formerly Invitae), Labcorp
Classification: Uncertain significance. Last evaluated: 2024-04-08. Review status: criteria provided, single submitter. Criteria: Invitae Variant Classification Sherloc (09022015). Collection method: clinical testing. Allele origin: germline.
Comment: This sequence change replaces proline, which is neutral and non-polar, with threonine, which is neutral and polar, at codon 10 of the GRIN2D protein (p.Pro10Thr). The frequency data for this variant in the population databases is considered unreliable, as metrics indicate insufficient coverage at this position in the gnomAD database. This variant has not been reported in the literature in individuals affected with GRIN2D-related conditions. Advanced modeling of protein sequence and biophysical properties (such as structural, functional, and spatial information, amino acid conservation, physicochemical variation, residue mobility, and thermodynamic stability) performed at Invitae indicates that this missense variant is not expected to disrupt GRIN2D protein function with a negative predictive value of 95%. In summary, the available evidence is currently insufficient to determine the role of this variant in disease. Therefore, it has been classified as a Variant of Uncertain Significance.

NM_000836.4(GRIN2D):c.28C>A (p.Pro10Thr)

Gene: GRIN2D (glutamate ionotropic receptor NMDA type subunit 2D; plus strand). Cytogenetic location: 19q13.33.
Variant type: single nucleotide variant.
Coding change: c.28C>A on transcript NM_000836.4 (MANE Select); coding-DNA position 28, C replaced by A.
Protein change: p.Pro10Thr; replaces proline 10 with threonine.
Molecular consequence: missense variant.
Genome position (GRCh38, 1-based): chr19:48,398,420, C>A. VCF-style: chr19-48398420-C-A. GRCh37 (hg19) VCF-style: chr19-48901677-C-A.
Other names: short protein forms P10T.
Identifiers: ClinVar variation 3282781 (VCV003282781.3).
Genomic context (GRCh38, chr19:48,398,420, plus strand): 5'-CGCTCAGAGGCCGCCCGGCGGGGCCCGCAGGCGATGCGCGGCGCCGGTGGCCCCCGCGGC[C>A]CTCGGGGCCCCGCTAAGATGCTGCTGCTGCTGGCGCTGGCCTGCGCCAGCCCGTTCCCGG-3'
Protein context (NP_000827.2, residues 1-20): MRGAGGPRG[Pro10Thr]RGPAKMLLLL